The following is an entry in ClinVar:

NM_001166108.2(PALLD):c.1965-12723C>T

Gene: PALLD (palladin, cytoskeletal associated protein; plus strand). Cytogenetic location: 4q32.3.
Variant type: single nucleotide variant.
Coding change: c.1965-12723C>T on transcript NM_001166108.2 (MANE Select); 12723 bases into the intron before coding-DNA position 1965, C replaced by T.
Molecular consequence: intron variant. On other transcripts: missense variant (1).
Genome position (GRCh38, 1-based): chr4:168,878,199, C>T. VCF-style: chr4-168878199-C-T. GRCh37 (hg19) VCF-style: chr4-169799350-C-T.
Other names: c.308C>T, p.Pro103Leu (NM_001166110.2); c.1965-12723C>T (NM_016081.4); c.819-12723C>T (NM_001166109.2); c.-157-12723C>T (NM_001367570.1, NM_001367568.1, NM_001367567.1 and 1 more transcripts); c.308C>T (NM_001166110.1); short protein forms P103L.
Identifiers: ClinVar variation 1022292 (VCV001022292.9), dbSNP rs748894104, ClinGen allele CA3135775.

ClinVar aggregate classification (germline): Uncertain significance. Review status: criteria provided, multiple submitters, no conflicts (2 of 4 stars). 2 submissions from 2 submitters: Uncertain significance (2). Last evaluated 2024-12-29.

Conditions:
Pancreatic adenocarcinoma. Identifiers: MedGen C0281361, MONDO:0006047, HP:0006725.

Allele frequency attached by ClinVar (database versions not stated): ExAC 0.00009.

Submissions (2):

Ambry Genetics
Classification: Uncertain significance. Last evaluated: 2024-12-29. Review status: criteria provided, single submitter. Criteria: Ambry Variant Classification Scheme 2023. Collection method: clinical testing. Allele origin: germline.
Comment: The p.P103L variant (also known as c.308C>T), located in coding exon 1 of the PALLD gene, results from a C to T substitution at nucleotide position 308. The proline at codon 103 is replaced by leucine, an amino acid with similar properties. This amino acid position is conserved. In addition, this alteration is predicted to be tolerated by in silico analysis. Based on the available evidence, the clinical significance of this variant remains unclear.

Labcorp Genetics (formerly Invitae), Labcorp
Classification: Uncertain significance for Pancreatic adenocarcinoma. Last evaluated: 2020-03-12. Review status: criteria provided, single submitter. Criteria: Invitae Variant Classification Sherloc (09022015). Collection method: clinical testing. Allele origin: germline.
Comment: This sequence change replaces proline with leucine at codon 103 of the PALLD protein (p.Pro103Leu). The proline residue is weakly conserved and there is a moderate physicochemical difference between proline and leucine. The frequency data for this variant in the population databases is considered unreliable, as metrics indicate poor data quality at this position in the ExAC database. This variant has not been reported in the literature in individuals with PALLD-related conditions. Algorithms developed to predict the effect of missense changes on protein structure and function (SIFT, PolyPhen-2, Align-GVGD) all suggest that this variant is likely to be tolerated, but these predictions have not been confirmed by published functional studies and their clinical significance is uncertain. In summary, the available evidence is currently insufficient to determine the role of this variant in disease. Therefore, it has been classified as a Variant of Uncertain Significance.